The following is an entry in ClinVar:

Single allele

Gene: ALMS1 (ALMS1 centrosome and basal body associated protein; plus strand). Cytogenetic location: 2p13.1.
Variant type: Deletion.
Identifiers: ClinVar variation 1700564 (VCV001700564.2).

ClinVar aggregate classification (germline): Pathogenic (1 of 4 stars; one submission).

Conditions:
Alstrom syndrome (ALMS). Identifiers: Orphanet 64, MedGen C0268425, MONDO:0008763, OMIM 203800.

Submission:

Center for Reproductive Medicine and Prenatal Diagnosis, The First Hospital of Jilin University
Classification: Pathogenic for Alstrom syndrome. Last evaluated: 2022-06-18. Review status: criteria provided, single submitter. Criteria: ACMG Guidelines, 2015. Collection method: clinical testing. Allele origin: germline. Inheritance: Autosomal recessive inheritance. Affected: yes. Observed: 1 compound heterozygote.
Comment: Exon 1 of ALMS1 is located in the deletion range